The following is an entry in ClinVar:

NM_000038.6(APC):c.646-1550C>A

Gene: APC (APC regulator of WNT signaling pathway; plus strand). Cytogenetic location: 5q22.2.
Variant type: single nucleotide variant.
Coding change: c.646-1550C>A on transcript NM_000038.6 (MANE Select); 1550 bases into the intron before coding-DNA position 646, C replaced by A.
Molecular consequence: intron variant.
Genome position (GRCh38, 1-based): chr5:112,790,896, C>A. VCF-style: chr5-112790896-C-A. GRCh37 (hg19) VCF-style: chr5-112126593-C-A.
Other names: c.646-1550C>A (NM_001354895.2, NM_001127510.3, NM_001354896.2 and 1 more transcripts); c.676-1550C>A (NM_001354897.2, NM_001354902.2); c.675+9993C>A (NM_001127511.3); c.571-1550C>A (NM_001354898.2, NM_001354904.2); c.-390-1550C>A (NM_001354906.2); c.645+9993C>A (NM_001354899.2); c.469-1550C>A (NM_001354900.2, NM_001354901.2, NM_001354905.2).
Identifiers: ClinVar variation 82995 (VCV000082995.2), dbSNP rs78285873, ClinGen allele CA011672.

ClinVar aggregate classification (germline): other (0 of 4 stars; one submission).

Conditions:
Familial colorectal cancer. Identifiers: MedGen CN280943, MONDO:0023113. Disease mechanism: loss of function.

Submission:

Systems Biology Platform Zhejiang California International NanoSystems Institute
Classification: other for Familial colorectal cancer. Review status: no assertion criteria provided. Collection method: not provided. Allele origin: unknown.
ClinVar note: Converted during submission from cancer to other.